The following is an entry in ClinVar:

NM_024685.4(BBS10):c.1118C>T (p.Pro373Leu)

Gene: BBS10 (Bardet-Biedl syndrome 10; minus strand). Cytogenetic location: 12q21.2.
Variant type: single nucleotide variant.
Coding change: c.1118C>T on transcript NM_024685.4 (MANE Select); coding-DNA position 1118, C replaced by T.
Protein change: p.Pro373Leu; replaces proline 373 with leucine.
Molecular consequence: missense variant.
Genome position (GRCh38, 1-based): chr12:76,346,867, G>A on the plus strand (C>T on the coding strand, the complement: BBS10 is on the minus strand). VCF-style: chr12-76346867-G-A. GRCh37 (hg19) VCF-style: chr12-76740647-G-A.
Other names: c.1118C>T (NM_024685.3); short protein forms P373L.
Identifiers: ClinVar variation 3575290 (VCV003575290.2).

ClinVar aggregate classification (germline): Uncertain significance. Review status: criteria provided, multiple submitters, no conflicts (2 of 4 stars). 2 submissions from 2 submitters: Uncertain significance (2). Last evaluated 2024-10-10.

Conditions:
BBS10-related disorder. Also called: BBS10-related condition.
Bardet-Biedl syndrome 10 (BBS10). Identifiers: Orphanet 110, MedGen C1859568, MONDO:0014438, OMIM 615987.

gnomAD v4.1: 1 of 1,613,830 alleles (0.000062%); highest among the groups gnomAD compares: Non-Finnish European, 0.000085%; no homozygotes.

Submissions (2):

PreventionGenetics, part of Exact Sciences
Classification: Uncertain significance for BBS10-related condition. Last evaluated: 2024-10-10. Review status: criteria provided, single submitter. Criteria: ACMG Guidelines, 2015. Collection method: clinical testing. Allele origin: germline.
Comment: The BBS10 c.1118C>T variant is predicted to result in the amino acid substitution p.Pro373Leu. To our knowledge, this variant has not been reported in the literature. This variant is reported in 0.00088% of alleles in individuals of European (Non-Finnish) descent in gnomAD. At this time, the clinical significance of this variant is uncertain due to the absence of conclusive functional and genetic evidence.

Fulgent Genetics
Classification: Uncertain significance for Bardet-Biedl syndrome 10. Last evaluated: 2024-02-06. Review status: criteria provided, single submitter. Criteria: ACMG Guidelines, 2015. Collection method: clinical testing. Allele origin: germline.